The following is an entry in ClinVar:

NM_032383.5(HPS3):c.466_467del (p.Leu156fs)

Gene: HPS3 (HPS3 biogenesis of lysosomal organelles complex 2 subunit 1; plus strand). Cytogenetic location: 3q24.
Variant type: Deletion.
Coding change: c.466_467del on transcript NM_032383.5 (MANE Select); coding-DNA positions 466 to 467, 2 bases deleted (TT; older notation c.466_467delTT).
Protein change: p.Leu156fs; shifts the reading frame from leucine 156.
Molecular consequence: frameshift variant. On other transcripts: intron variant (1).
Genome position (GRCh38, 1-based): chr3:149,140,252-149,140,253, TT deleted. VCF-style (leftmost placement, unchanged base first): chr3-149140251-ATT-A. GRCh37 (hg19) VCF-style: chr3-148858038-ATT-A.
Other names: c.218-765_218-764del (NM_001308258.2); short protein forms L156fs.
Identifiers: ClinVar variation 2114678 (VCV002114678.4), dbSNP rs1312290440, ClinGen allele CA900481350.

ClinVar aggregate classification (germline): Pathogenic (1 of 4 stars; one submission).

Allele frequency attached by ClinVar (database versions not stated): TOPMed below 0.00001; gnomAD 0.00001.

Submission:

Labcorp Genetics (formerly Invitae), Labcorp
Classification: Pathogenic. Last evaluated: 2022-03-19. Review status: criteria provided, single submitter. Criteria: Invitae Variant Classification Sherloc (09022015). Collection method: clinical testing. Allele origin: germline.
Comment: For these reasons, this variant has been classified as Pathogenic. This variant has not been reported in the literature in individuals affected with HPS3-related conditions. This variant is not present in population databases (gnomAD no frequency). This sequence change creates a premature translational stop signal (p.Leu156Serfs*4) in the HPS3 gene. It is expected to result in an absent or disrupted protein product. Loss-of-function variants in HPS3 are known to be pathogenic (PMID: 11590544).

Literature cited by the submitters: PubMed 11590544.